The following is an entry in ClinVar:

ClinVar aggregate classification (germline): Uncertain significance. Review status: criteria provided, multiple submitters, no conflicts (2 of 4 stars). 2 submissions from 2 submitters: Uncertain significance (2). Last evaluated 2026-04-28.

Conditions:
Jeune thoracic dystrophy. Also called: Jeune syndrome; Infantile thoracic dystrophy; Thoracic pelvic phalangeal dystrophy; Jeune's syndrome; Chondroectodermal dysplasia-like syndrome; Short-rib thoracic dysplasia. Identifiers: Orphanet 474, MedGen C0265275, MONDO:0018770.
Inborn genetic diseases. Identifiers: MedGen C0950123, MeSH D030342.

gnomAD v4.1: 2 of 1,604,446 alleles (0.00012%); highest among the groups gnomAD compares: Non-Finnish European, 0.00017%; no homozygotes.

Submissions (2):

Ambry Genetics
Classification: Uncertain significance for Inborn genetic diseases. Last evaluated: 2026-04-28. Review status: criteria provided, single submitter. Criteria: Ambry Variant Classification Scheme 2023. Collection method: clinical testing. Allele origin: germline.

Labcorp Genetics (formerly Invitae), Labcorp
Classification: Uncertain significance for Jeune thoracic dystrophy. Last evaluated: 2025-06-02. Review status: criteria provided, single submitter. Criteria: Invitae Variant Classification Sherloc (09022015). Collection method: clinical testing. Allele origin: germline.
Comment: This sequence change replaces glutamic acid, which is acidic and polar, with lysine, which is basic and polar, at codon 4217 of the DYNC2H1 protein (p.Glu4217Lys). The frequency data for this variant in the population databases is considered unreliable, as metrics indicate poor data quality at this position in the gnomAD database. This variant has not been reported in the literature in individuals affected with DYNC2H1-related conditions. Invitae Evidence Modeling of protein sequence and biophysical properties (such as structural, functional, and spatial information, amino acid conservation, physicochemical variation, residue mobility, and thermodynamic stability) indicates that this missense variant is not expected to disrupt DYNC2H1 protein function with a negative predictive value of 95%. In summary, the available evidence is currently insufficient to determine the role of this variant in disease. Therefore, it has been classified as a Variant of Uncertain Significance.

NM_001377.3(DYNC2H1):c.12628G>A (p.Glu4210Lys)

Gene: DYNC2H1 (dynein cytoplasmic 2 heavy chain 1; plus strand). Cytogenetic location: 11q22.3.
Variant type: single nucleotide variant.
Coding change: c.12628G>A on transcript NM_001377.3 (MANE Select); coding-DNA position 12628, G replaced by A.
Protein change: p.Glu4210Lys; replaces glutamic acid 4210 with lysine.
Molecular consequence: missense variant.
Genome position (GRCh38, 1-based): chr11:103,456,336, G>A. VCF-style: chr11-103456336-G-A. GRCh37 (hg19) VCF-style: chr11-103327064-G-A.
Other names: c.12649G>A, p.Glu4217Lys (NM_001080463.2); c.12649G>A (NM_001080463.1); short protein forms E4210K, E4217K.
Identifiers: ClinVar variation 4797014 (VCV004797014.2).
Genomic context (GRCh38, chr11:103,456,336, plus strand): 5'-GCAGTGGGTCGTTCTGTGGATAGCCTTAAATTTGTAGCCTCATGGAAAGGTCGACTGCAA[G>A]AAGCAAAGCTACAAATTAAGGTACTAGACTAATTTTAGATCTTGGAATCTCAGCCTTATC-3'
Protein context (NP_001368.2, residues 4200-4220): FVASWKGRLQ[Glu4210Lys]AKLQIKISGL